The following is an entry in ClinVar:

NM_022114.4(PRDM16):c.2448C>T (p.Asn816=)

Gene: PRDM16 (PR/SET domain 16; plus strand). Cytogenetic location: 1p36.32.
Variant type: single nucleotide variant.
Coding change: c.2448C>T on transcript NM_022114.4 (MANE Select); coding-DNA position 2448, C replaced by T.
Protein change: p.Asn816=; no amino-acid change (asparagine 816 retained).
Molecular consequence: synonymous variant.
Genome position (GRCh38, 1-based): chr1:3,412,645, C>T. VCF-style: chr1-3412645-C-T. GRCh37 (hg19) VCF-style: chr1-3329209-C-T.
Other names: p.Asn816=; c.2448C>T, p.Asn816= (NM_199454.3).
Identifiers: ClinVar variation 388234 (VCV000388234.53), dbSNP rs372189819, ClinGen allele CA544477.
Genomic context (GRCh38, chr1:3,412,645, plus strand): 5'-ATCCGGCGAGGAGCAGCCGCTGGACCTGAGCATCGGCAGCCGGGCCCGTGCCAGCCAAAA[C>T]GGCGGCGGGCGGGAGCCCCGCAAGAACCACGTCTATGGGGAACGCAAGCTGGGCGCCGGC-3'
Protein context (NP_071397.3, residues 806-826): SIGSRARASQ[Asn816=]GGGREPRKNH

ClinVar aggregate classification (germline): Benign/Likely benign. Review status: criteria provided, multiple submitters, no conflicts (2 of 4 stars). 13 submissions from 13 submitters: Benign (5); Likely benign (4). 4 of the submissions do not count toward it. Last evaluated 2026-02-02.

Conditions:
Left ventricular noncompaction 8 (LVNC8). Identifiers: Orphanet 154, Orphanet 54260, MedGen C3809288, MONDO:0014152, OMIM 615373.

Allele frequency attached by ClinVar (database versions not stated): 1000 Genomes Project 0.00040; 1000 Genomes Project 30x 0.00047; ESP Exome Variant Server 0.00191; TOPMed 0.00214; ExAC 0.00560.
gnomAD v4.1: 6,230 of 1,548,904 alleles (0.4%); highest among the groups gnomAD compares: Non-Finnish European, 0.49%; 18 homozygotes.

Submissions (13):

Labcorp Genetics (formerly Invitae), Labcorp
Classification: Benign for Left ventricular noncompaction 8. Last evaluated: 2026-02-02. Review status: criteria provided, single submitter. Criteria: Invitae Variant Classification Sherloc (09022015). Collection method: clinical testing. Allele origin: germline.

CeGaT Center for Human Genetics Tuebingen
Classification: Likely benign. Last evaluated: 2025-11-01. Review status: criteria provided, single submitter. Criteria: CeGaT Center For Human Genetics Tuebingen Variant Classification Criteria Version 2. Collection method: clinical testing. Allele origin: germline. Affected: yes. Observed: 5 variant alleles.
Comment: PRDM16: BP4, BP7, BS2

ARUP Laboratories, Molecular Genetics and Genomics, ARUP Laboratories
Classification: Benign. Last evaluated: 2025-05-23. Review status: criteria provided, single submitter. Criteria: ARUP Molecular Germline Variant Investigation Process 2024. Collection method: clinical testing. Allele origin: germline.

Blueprint Genetics
Classification: Likely benign. Last evaluated: 2024-11-07. Review status: criteria provided, single submitter. Criteria: ACMG Guidelines, 2015. Collection method: clinical testing. Allele origin: germline.

Women's Health and Genetics/Laboratory Corporation of America, LabCorp
Classification: Benign. Last evaluated: 2023-04-17. Review status: criteria provided, single submitter. Criteria: LabCorp Variant Classification Summary - May 2015. Collection method: clinical testing. Allele origin: germline.

Mayo Clinic Laboratories, Mayo Clinic
Classification: Benign. Last evaluated: 2023-03-30. Review status: criteria provided, single submitter. Criteria: ACMG Guidelines, 2015. Collection method: clinical testing. Allele origin: germline. Observed: 4 variant alleles.
Comment: BS1, BS2, BP4, BP7

GeneDx
Classification: Likely benign. Last evaluated: 2020-09-25. Review status: criteria provided, single submitter. Criteria: GeneDx Variant Classification Process June 2021. Collection method: clinical testing. Allele origin: germline. Affected: yes.

Laboratory for Molecular Medicine, Mass General Brigham Personalized Medicine
Classification: Benign. Last evaluated: 2016-04-14. Review status: criteria provided, single submitter. Criteria: LMM Criteria. Collection method: clinical testing. Allele origin: germline. Observed: 1 variant allele.
Comment: p.Asn816Asn in exon 9 of PRDM16: This variant is not expected to have clinical s ignificance because it does not alter an amino acid residue and is not located w ithin the splice consensus sequence. It has been identified in 0.8% (151/18946) of European chromosomes including 1 homozygote by the Exome Aggregation Consorti um (ExAC; dbSNP rs372189819).

Breakthrough Genomics
Classification: Likely benign. Review status: criteria provided, single submitter. Criteria: ACMG Guidelines, 2015. Collection method: not provided. Allele origin: germline. Inheritance: Autosomal dominant inheritance. Affected: yes.

Clinical Genetics DNA and cytogenetics Diagnostics Lab, Erasmus MC, Erasmus Medical Center
Classification: Likely benign. Review status: no assertion criteria provided. Collection method: clinical testing. Allele origin: germline. Affected: yes. Study: VKGL Data-share Consensus. Not counted in ClinVar's aggregate classification.

Clinical Genetics, Academic Medical Center
Classification: Benign. Review status: no assertion criteria provided. Collection method: clinical testing. Allele origin: germline. Affected: yes. Study: VKGL Data-share Consensus. Not counted in ClinVar's aggregate classification.

Diagnostic Laboratory, Department of Genetics, University Medical Center Groningen
Classification: Likely benign. Review status: no assertion criteria provided. Collection method: clinical testing. Allele origin: germline. Affected: yes. Study: VKGL Data-share Consensus. Not counted in ClinVar's aggregate classification.

Joint Genome Diagnostic Labs from Nijmegen and Maastricht, Radboudumc and MUMC+
Classification: Benign. Review status: no assertion criteria provided. Collection method: clinical testing. Allele origin: germline. Affected: yes. Study: VKGL Data-share Consensus. Not counted in ClinVar's aggregate classification.